The following is an entry in ClinVar:

ClinVar aggregate classification (germline): Uncertain significance (1 of 4 stars; one submission).

Allele frequency attached by ClinVar (database versions not stated): gnomAD 0.00003; gnomAD exomes 0.00003 and 0.00004; TOPMed 0.00004; ExAC 0.00007; ESP Exome Variant Server 0.00009.

Submission:

Labcorp Genetics (formerly Invitae), Labcorp
Classification: Uncertain significance. Last evaluated: 2024-09-11. Review status: criteria provided, single submitter. Criteria: Invitae Variant Classification Sherloc (09022015). Collection method: clinical testing. Allele origin: germline.
Comment: This sequence change replaces arginine, which is basic and polar, with histidine, which is basic and polar, at codon 381 of the MSN protein (p.Arg381His). This variant is present in population databases (rs368873074, gnomAD 0.03%), including at least one homozygous and/or hemizygous individual. This variant has not been reported in the literature in individuals affected with MSN-related conditions. ClinVar contains an entry for this variant (Variation ID: 1523003). An algorithm developed to predict the effect of missense changes on protein structure and function (PolyPhen-2) suggests that this variant is likely to be disruptive. In summary, the available evidence is currently insufficient to determine the role of this variant in disease. Therefore, it has been classified as a Variant of Uncertain Significance.

NM_002444.3(MSN):c.1142G>A (p.Arg381His)

Gene: MSN (moesin; plus strand). Cytogenetic location: Xq12.
Variant type: single nucleotide variant.
Coding change: c.1142G>A on transcript NM_002444.3 (MANE Select); coding-DNA position 1142, G replaced by A.
Protein change: p.Arg381His; replaces arginine 381 with histidine.
Molecular consequence: missense variant.
Genome position (GRCh38, 1-based): chrX:65,737,229, G>A. VCF-style: chrX-65737229-G-A. GRCh37 (hg19) VCF-style: chrX-64957091-G-A.
Other names: short protein forms R381H.
Identifiers: ClinVar variation 1523003 (VCV001523003.8), dbSNP rs368873074, ClinGen allele CA10434624.